The following is an entry in ClinVar:

NM_001330078.2(NRXN1):c.4217-121T>C

Gene: NRXN1 (neurexin 1; minus strand). Cytogenetic location: 2p16.3.
Variant type: single nucleotide variant.
Coding change: c.4217-121T>C on transcript NM_001330078.2 (MANE Select); 121 bases into the intron before coding-DNA position 4217, T replaced by C.
Molecular consequence: intron variant.
Genome position (GRCh38, 1-based): chr2:49,922,372, A>G on the plus strand (T>C on the coding strand, the complement: NRXN1 is on the minus strand). VCF-style: chr2-49922372-A-G. GRCh37 (hg19) VCF-style: chr2-50149510-A-G.
Other names: c.4007-121T>C (NM_001330096.2); c.4016-121T>C (NM_001330087.2); c.4052-121T>C (NM_001330083.2); c.4151-121T>C (NM_001330084.2); c.4037-121T>C (NM_001330088.2); c.4214-121T>C (NM_001330093.2); c.4196-121T>C (NM_001330094.2); c.4076-121T>C (NM_001330095.2); and 12 more.
Identifiers: ClinVar variation 667709 (VCV000667709.1), dbSNP rs17039448, ClinGen allele CA47801042.

ClinVar aggregate classification (germline): Benign (1 of 4 stars; one submission).

Allele frequency attached by ClinVar (database versions not stated): gnomAD exomes 0.19387; gnomAD 0.20704 and 0.20766; TOPMed 0.21631; 1000 Genomes Project 30x 0.23204; 1000 Genomes Project 0.23243.
gnomAD v4.1: 200,297 of 1,021,556 alleles (20%); highest among the groups gnomAD compares: East Asian, 30%; 21,074 homozygotes.

Submission:

GeneDx
Classification: Benign. Last evaluated: 2018-06-18. Review status: criteria provided, single submitter. Criteria: GeneDx Variant Classification (06012015). Collection method: clinical testing. Allele origin: germline. Affected: yes.
Comment: This variant is considered likely benign or benign based on one or more of the following criteria: it is a conservative change, it occurs at a poorly conserved position in the protein, it is predicted to be benign by multiple in silico algorithms, and/or has population frequency not consistent with disease.